The following is an entry in ClinVar:

ClinVar aggregate classification (germline): Uncertain significance. Review status: criteria provided, multiple submitters, no conflicts (2 of 4 stars). 2 submissions from 2 submitters: Uncertain significance (2). Last evaluated 2024-03-07.

Conditions:
Inborn genetic diseases. Identifiers: MedGen C0950123, MeSH D030342.

Allele frequency attached by ClinVar (database versions not stated): gnomAD 0.00001.
gnomAD v4.1: 20 of 1,479,536 alleles (0.0014%); highest among the groups gnomAD compares: South Asian, 0.025%; no homozygotes.

Submissions (2):

Ambry Genetics
Classification: Uncertain significance for Inborn genetic diseases. Last evaluated: 2024-03-07. Review status: criteria provided, single submitter. Criteria: Ambry Variant Classification Scheme 2023. Collection method: clinical testing. Allele origin: germline.

Labcorp Genetics (formerly Invitae), Labcorp
Classification: Uncertain significance. Last evaluated: 2022-06-24. Review status: criteria provided, single submitter. Criteria: Invitae Variant Classification Sherloc (09022015). Collection method: clinical testing. Allele origin: germline.
Comment: This variant has not been reported in the literature in individuals affected with HMX1-related conditions. In summary, the available evidence is currently insufficient to determine the role of this variant in disease. Therefore, it has been classified as a Variant of Uncertain Significance. Algorithms developed to predict the effect of missense changes on protein structure and function are either unavailable or do not agree on the potential impact of this missense change (SIFT: "Tolerated"; PolyPhen-2: "Possibly Damaging"; Align-GVGD: "Class C0"). The frequency data for this variant in the population databases is considered unreliable, as metrics indicate poor data quality at this position in the gnomAD database. This sequence change replaces serine, which is neutral and polar, with isoleucine, which is neutral and non-polar, at codon 129 of the HMX1 protein (p.Ser129Ile).

NM_018942.3(HMX1):c.386G>T (p.Ser129Ile)

Gene: HMX1 (H6 family homeobox 1; minus strand). Cytogenetic location: 4p16.1.
Variant type: single nucleotide variant.
Coding change: c.386G>T on transcript NM_018942.3 (MANE Select); coding-DNA position 386, G replaced by T.
Protein change: p.Ser129Ile; replaces serine 129 with isoleucine.
Molecular consequence: missense variant.
Genome position (GRCh38, 1-based): chr4:8,871,229, C>A on the plus strand (G>T on the coding strand, the complement: HMX1 is on the minus strand). VCF-style: chr4-8871229-C-A. GRCh37 (hg19) VCF-style: chr4-8872955-C-A.
Other names: c.386G>T, p.Ser129Ile (NM_001306142.2); c.386G>T (NM_018942.2); short protein forms S129I.
Identifiers: ClinVar variation 2050316 (VCV002050316.5), dbSNP rs748375467, ClinGen allele CA2854312.